The following is an entry in ClinVar:

ClinVar aggregate classification (germline): Uncertain significance (0 of 4 stars; one submission).

Conditions:
SEMA3D-related disorder. Also called: SEMA3D-related condition.

gnomAD v4.1: 4 of 1,596,348 alleles (0.00025%); highest among the groups gnomAD compares: African/African-American, 0.0027%; no homozygotes.

Submission:

PreventionGenetics, part of Exact Sciences
Classification: Uncertain significance for SEMA3D-related condition. Last evaluated: 2024-06-24. Review status: no assertion criteria provided. Collection method: clinical testing. Allele origin: germline.
Comment: The SEMA3D c.1525A>G variant is predicted to result in the amino acid substitution p.Met509Val. To our knowledge, this variant has not been reported in the literature. This variant is reported in 0.0062% of alleles in individuals of African descent in gnomAD. At this time, the clinical significance of this variant is uncertain due to the absence of conclusive functional and genetic evidence.

NM_001384900.1(SEMA3D):c.1525A>G (p.Met509Val)

Gene: SEMA3D (semaphorin 3D; minus strand). Cytogenetic location: 7q21.11.
Variant type: single nucleotide variant.
Coding change: c.1525A>G on transcript NM_001384900.1 (MANE Select); coding-DNA position 1525, A replaced by G.
Protein change: p.Met509Val; replaces methionine 509 with valine.
Molecular consequence: missense variant.
Genome position (GRCh38, 1-based): chr7:85,018,272, T>C on the plus strand (A>G on the coding strand, the complement: SEMA3D is on the minus strand). VCF-style: chr7-85018272-T-C. GRCh37 (hg19) VCF-style: chr7-84647588-T-C.
Other names: c.1525A>G, p.Met509Val (NM_001384901.1, NM_001384902.1, NM_001384903.1 and 1 more transcripts); short protein forms M509V.
Identifiers: ClinVar variation 3356542 (VCV003356542.1).